The following is an entry in ClinVar:

ClinVar aggregate classification (germline): Conflicting classifications of pathogenicity. Review status: criteria provided, conflicting classifications (1 of 4 stars). 3 submissions from 3 submitters: Uncertain significance (1); Likely benign (2). Last evaluated 2025-09-02.

Conditions:
Developmental and epileptic encephalopathy, 50 (DEE50). Also called: Epileptic encephalopathy, early infantile, 50. Identifiers: Orphanet 448010, MedGen C4225320, MONDO:0014647, OMIM 616457.

Allele frequency attached by ClinVar (database versions not stated): gnomAD exomes below 0.00001 and 0.00003; ExAC 0.00001; TOPMed 0.00001.
gnomAD v4.1: 48 of 1,614,122 alleles (0.003%); highest among the groups gnomAD compares: East Asian, 0.018%; no homozygotes.

Submissions (3):

Labcorp Genetics (formerly Invitae), Labcorp
Classification: Likely benign. Last evaluated: 2025-09-02. Review status: criteria provided, single submitter. Criteria: Invitae Variant Classification Sherloc (09022015). Collection method: clinical testing. Allele origin: germline.

Mayo Clinic Laboratories, Mayo Clinic
Classification: Likely benign. Last evaluated: 2025-04-22. Review status: criteria provided, single submitter. Criteria: ACMG Guidelines, 2015. Collection method: clinical testing. Allele origin: germline. Observed: 2 variant alleles.

Baylor Genetics
Classification: Uncertain significance for Developmental and epileptic encephalopathy, 50. Last evaluated: 2018-06-28. Review status: criteria provided, single submitter. Criteria: ACMG Guidelines, 2015. Collection method: clinical testing. Allele origin: paternal. Affected: yes.
Comment: This variant was determined to be of uncertain significance according to ACMG Guidelines, 2015 [PMID:25741868].

NM_004341.5(CAD):c.2401-5A>G

Genes: CAD (carbamoyl-phosphate synthetase 2, aspartate transcarbamylase, and dihydroorotase; plus strand), LOC126806171 (BRD4-independent group 4 enhancer GRCh37_chr2:27454350-27455549; plus strand). Cytogenetic location: 2p23.3.
Variant type: single nucleotide variant.
Coding change: c.2401-5A>G on transcript NM_004341.5 (MANE Select); 5 bases into the intron before coding-DNA position 2401, A replaced by G.
Molecular consequence: intron variant.
Genome position (GRCh38, 1-based): chr2:27,231,975, A>G. VCF-style: chr2-27231975-A-G. GRCh37 (hg19) VCF-style: chr2-27454843-A-G.
Other names: p.?; c.2212-5A>G (NM_001306079.2).
Identifiers: ClinVar variation 1032895 (VCV001032895.8), dbSNP rs759687469, ClinGen allele CA1573021.
Genomic context (GRCh38, chr2:27,231,975, plus strand): 5'-TACTTACGCTCAGGCTTTTAGATGGGCTGGCAGTAGCTTCCGTCTGTCTACCCCCTTTCT[A>G]TCAGGAGTTGGAGACTCCAACAGATAAGCGGATTTTTGTGGTGGCAGCTGCTTTGTGGGC-3'